The following is an entry in ClinVar:

NM_001035.3(RYR2):c.11984T>C (p.Ile3995Thr)

Gene: RYR2 (ryanodine receptor 2; plus strand). Cytogenetic location: 1q43.
Variant type: single nucleotide variant.
Coding change: c.11984T>C on transcript NM_001035.3 (MANE Select); coding-DNA position 11984, T replaced by C.
Protein change: p.Ile3995Thr; replaces isoleucine 3995 with threonine.
Molecular consequence: missense variant.
Genome position (GRCh38, 1-based): chr1:237,783,696, T>C. VCF-style: chr1-237783696-T-C. GRCh37 (hg19) VCF-style: chr1-237946996-T-C.
Other names: short protein forms I3995T.
Identifiers: ClinVar variation 2138827 (VCV002138827.1), dbSNP rs1355052011, ClinGen allele CA345411825.
Genomic context (GRCh38, chr1:237,783,696, plus strand): 5'-TTAGTTTATTTTAAACAAATGCAACTGCTTTACCACCAGGTAATGTTGTTAATGGAACGA[T>C]TGGCAAACAGATGGTGGATATGCTTGTGGAATCTTCCAACAACGTGGAGATGATTCTCAA-3'
Protein context (NP_001026.2, residues 3985-4005): MLEGNVVNGT[Ile3995Thr]GKQMVDMLVE

ClinVar aggregate classification (germline): Uncertain significance (1 of 4 stars; one submission).

Conditions:
Catecholaminergic polymorphic ventricular tachycardia 1. Also called: VENTRICULAR TACHYCARDIA, STRESS-INDUCED POLYMORPHIC 1; VENTRICULAR TACHYCARDIA, CATECHOLAMINERGIC POLYMORPHIC, 1, WITH OR WITHOUT ATRIAL DYSFUNCTION AND/OR DILATED CARDIOMYOPATHY; RYR2-Related Catecholaminergic Polymorphic Ventricular Tachycardia. Identifiers: Orphanet 3286, MedGen C1631597, MONDO:0011484, OMIM 604772.

Allele frequency attached by ClinVar (database versions not stated): gnomAD exomes below 0.00001; TOPMed below 0.00001; gnomAD 0.00001.
gnomAD v4.1: 4 of 1,605,382 alleles (0.00025%); highest among the groups gnomAD compares: South Asian, 0.0022%; no homozygotes.

Submission:

Labcorp Genetics (formerly Invitae), Labcorp
Classification: Uncertain significance for Catecholaminergic polymorphic ventricular tachycardia 1. Last evaluated: 2022-07-20. Review status: criteria provided, single submitter. Criteria: Invitae Variant Classification Sherloc (09022015). Collection method: clinical testing. Allele origin: germline.
Comment: This sequence change replaces isoleucine, which is neutral and non-polar, with threonine, which is neutral and polar, at codon 3995 of the RYR2 protein (p.Ile3995Thr). This variant is not present in population databases (gnomAD no frequency). This variant has not been reported in the literature in individuals affected with RYR2-related conditions. Advanced modeling of protein sequence and biophysical properties (such as structural, functional, and spatial information, amino acid conservation, physicochemical variation, residue mobility, and thermodynamic stability) performed at Invitae indicates that this missense variant is expected to disrupt RYR2 protein function. In summary, the available evidence is currently insufficient to determine the role of this variant in disease. Therefore, it has been classified as a Variant of Uncertain Significance.